The following is an entry in ClinVar:

ClinVar aggregate classification (germline): Uncertain significance (1 of 4 stars; one submission).

Submission:

Labcorp Genetics (formerly Invitae), Labcorp
Classification: Uncertain significance. Last evaluated: 2024-09-19. Review status: criteria provided, single submitter. Criteria: Invitae Variant Classification Sherloc (09022015). Collection method: clinical testing. Allele origin: germline.
Comment: This variant, c.1973_1978del, results in the deletion of 2 amino acid(s) of the ADGRG1 protein (p.Tyr658_Trp659del), but otherwise preserves the integrity of the reading frame. This variant is not present in population databases (gnomAD no frequency). This variant has been observed in individual(s) with polymicrogyria (internal data). In at least one individual the data is consistent with being in trans (on the opposite chromosome) from a pathogenic variant. It has also been observed to segregate with disease in related individuals. Experimental studies and prediction algorithms are not available or were not evaluated, and the functional significance of this variant is currently unknown. In summary, the available evidence is currently insufficient to determine the role of this variant in disease. Therefore, it has been classified as a Variant of Uncertain Significance.

NM_201525.4(ADGRG1):c.1955_1960del (p.Tyr652_Trp653del)

Gene: ADGRG1 (adhesion G protein-coupled receptor G1; plus strand). Cytogenetic location: 16q21.
Variant type: Deletion.
Coding change: c.1955_1960del on transcript NM_201525.4 (MANE Select); coding-DNA positions 1955 to 1960, 6 bases deleted (ACTGGT; older notation c.1955_1960delACTGGT).
Protein change: p.Tyr652_Trp653del.
Molecular consequence: inframe deletion.
Genome position (GRCh38, 1-based): chr16:57,663,473-57,663,478, ACTGGT deleted; deleting any 6 consecutive bases within chr16:57,663,468-57,663,478 gives the same sequence; the c. name uses the placement nearest the transcript's 3' end. VCF-style (leftmost placement, unchanged base first): chr16-57663467-TCTGGTA-T. GRCh37 (hg19) VCF-style: chr16-57697379-TCTGGTA-T.
Other names: c.1955_1960del, p.Tyr652_Trp653del (NM_001145770.3, NM_001145772.3, NM_001145774.3 and 7 more transcripts); c.1973_1978del, p.Tyr658_Trp659del (NM_001145771.3, NM_001370428.1, NM_001370429.1 and 4 more transcripts); c.1970_1975del, p.Tyr657_Trp658del (NM_001145773.3, NM_001370433.1, NM_001370434.1); c.1463_1468del, p.Tyr488_Trp489del (NM_001290142.2); c.1448_1453del, p.Tyr483_Trp484del (NM_001290143.2); c.1430_1435del, p.Tyr477_Trp478del (NM_001290144.2, NM_001370451.1, NM_001370453.1 and 1 more transcripts); c.1952_1957del, p.Tyr651_Trp652del (NM_001370441.1); c.1799_1804del, p.Tyr600_Trp601del (NM_001370442.1).
Identifiers: ClinVar variation 3620745 (VCV003620745.2).